The following continues an entry in ClinVar:

NM_000781.3(CYP11A1):c.940G>A (p.Glu314Lys)

Gene: CYP11A1. ClinVar aggregate classification (germline): Conflicting classifications of pathogenicity. Pathogenic (2); Likely pathogenic (7); Uncertain significance (3); Benign (1); Likely benign (2).

Submissions 9 to 15 of 15:

Greenwood Genetic Center Diagnostic Laboratories, Greenwood Genetic Center
Classification: Likely pathogenic for Congenital adrenal insufficiency with 46, XY sex reversal OR 46,XY disorder of sex development-adrenal insufficiency due to CYP11A1 deficiency. Last evaluated: 2023-05-19. Review status: criteria provided, single submitter. Criteria: ACMG Guidelines, 2015. Collection method: clinical testing. Allele origin: germline. Affected: yes.
Comment: PS3, PM3

Fulgent Genetics
Classification: Likely pathogenic for Congenital adrenal insufficiency with 46, XY sex reversal OR 46,XY disorder of sex development-adrenal insufficiency due to CYP11A1 deficiency. Last evaluated: 2021-06-30. Review status: criteria provided, single submitter. Criteria: ACMG Guidelines, 2015. Collection method: clinical testing. Allele origin: unknown.
Comment: This variant has been detected in individual(s) who were sent for testing of Renasight - kidney gene panel.

Genetic Services Laboratory, University of Chicago
Classification: Likely benign. Last evaluated: 2020-07-09. Review status: criteria provided, single submitter. Criteria: ACMG Guidelines, 2015. Collection method: clinical testing. Allele origin: germline. Affected: no.

Mendelics
Classification: Uncertain significance for Congenital adrenal insufficiency with 46, XY sex reversal OR 46,XY disorder of sex development-adrenal insufficiency due to CYP11A1 deficiency. Last evaluated: 2019-05-28. Review status: criteria provided, single submitter. Criteria: Mendelics Assertion Criteria 2017. Collection method: clinical testing. Allele origin: unknown.

Institute of Human Genetics, University of Leipzig Medical Center
Classification: Benign for Congenital adrenal insufficiency with 46, XY sex reversal OR 46,XY disorder of sex development-adrenal insufficiency due to CYP11A1 deficiency. Last evaluated: 2019-01-01. Review status: criteria provided, single submitter. Criteria: ACMG Guidelines, 2015. Collection method: clinical testing. Allele origin: unknown. Affected: yes.

Illumina Laboratory Services, Illumina
Classification: Likely benign for Congenital adrenal insufficiency with 46, XY sex reversal OR 46,XY disorder of sex development-adrenal insufficiency due to CYP11A1 deficiency. Last evaluated: 2018-01-13. Review status: criteria provided, single submitter. Criteria: ICSL Variant Classification Criteria 13 December 2019. Collection method: clinical testing. Allele origin: germline.
Comment: This variant was observed in the ICSL laboratory as part of a predisposition screen in an ostensibly healthy population. It had not been previously curated by ICSL or reported in the Human Gene Mutation Database (HGMD: prior to June 1st, 2018), and was therefore a candidate for classification through an automated scoring system. Utilizing variant allele frequency, disease prevalence and penetrance estimates, and inheritance mode, an automated score was calculated to assess if this variant is too frequent to cause the disease. Based on the score and internal cut-off values, a variant classified as likely benign is not then subjected to further curation. The score for this variant resulted in a classification of likely benign for this disease.

GeneDx
Classification: Likely pathogenic. Last evaluated: 2016-05-10. Review status: criteria provided, single submitter. Criteria: GeneDx Variant Classification (06012015). Collection method: clinical testing. Allele origin: germline. Affected: yes.
Comment: The E314K variant has been reported previously in two unrelated individuals with primary adrenal insufficiency; one individual harbored another CYP11A1 variant in trans whereas the other reported individual had no other molecular findings (Chan et al., 2015). Although not present in the homozygous state, the NHLBI ESP Exome Sequencing Project reports E314K was observed in 0.34% (29/8,592) alleles from individuals of European American ancestry. The E314K variant is a non-conservative amino acid substitution, which is likely to impact secondary protein structure as these residues differ in polarity, charge, size and/or other properties. However, this substitution occurs at a position that is not conserved, and in silico analysis is inconsistent in its predictions as to whether or not the variant is damaging to the protein structure/function. The E314K variant is a strong candidate for a pathogenic variant, however the possibility it may be a rare benign variant cannot be excluded.

Literature cited by the submitters: PubMed 30299480 (cited by 3 submitters); PubMed 30620006 (cited by 3 submitters); PubMed 30233493 (cited by Variantyx, Inc. and Women's Health and Genetics/Laboratory Corporation of America, LabCorp); PubMed 26300845 (cited by Women's Health and Genetics/Laboratory Corporation of America, LabCorp).